The following is an entry in ClinVar:

ClinVar aggregate classification (germline): Pathogenic/Likely pathogenic. Review status: criteria provided, multiple submitters, no conflicts (2 of 4 stars). 3 submissions from 3 submitters: Pathogenic (2); Likely pathogenic (1). Last evaluated 2025-07-29.

Conditions:
Sjögren-Larsson syndrome (SLS). Also called: FALDH DEFICIENCY; FATTY ALCOHOL:NAD+ OXIDOREDUCTASE DEFICIENCY; FATTY ALDEHYDE DEHYDROGENASE DEFICIENCY; ICHTHYOSIS, SPASTIC NEUROLOGIC DISORDER, AND OLIGOPHRENIA. Identifiers: Orphanet 816, MedGen C0037231, MONDO:0010031, OMIM 270200.

Allele frequency attached by ClinVar (database versions not stated): gnomAD 0.00002; TOPMed 0.00004.

Submissions (3):

Natera, Inc.
Classification: Likely pathogenic for Sjögren-Larsson syndrome. Last evaluated: 2025-07-29. Review status: criteria provided, single submitter. Criteria: Natera Variant Classification Schema (03/2026). Collection method: clinical testing. Allele origin: germline.
Comment: The c.683G>A variant in ALDH3A2 is a missense variant predicted to cause substitution of arginine to histidine at amino acid 228. This variant is rare in the general population with a frequency below the threshold expected for the associated phenotype(s). This variant has been observed in one or more individuals affected with the associated recessive disease, as either homozygous or compound heterozygous with a second variant (PMID: 29704247). A different variant at the same position has been determined to be Pathogenic or Likely Pathogenic. Computational prediction algorithms indicate this variant is likely to affect gene or protein function. Given the available evidence, this variant is classified as Likely Pathogenic.

Women's Health and Genetics/Laboratory Corporation of America, LabCorp
Classification: Pathogenic for Sjögren-Larsson syndrome. Last evaluated: 2025-01-31. Review status: criteria provided, single submitter. Criteria: LabCorp Variant Classification Summary - May 2015. Collection method: clinical testing. Allele origin: germline.
Comment: Variant summary: ALDH3A2 c.683G>A (p.Arg228His) results in a non-conservative amino acid change in the encoded protein sequence. Five of five in-silico tools predict a damaging effect of the variant on protein function. Consensus agreement among computation tools predict no significant impact on normal splicing. However, these predictions have yet to be confirmed by functional studies. The variant was absent in 251402 control chromosomes. c.683G>A has been reported in the literature in multiple homozygous individuals affected with Sjogren-Larsson Syndrome (e.g. Yis 2012, Vural_2018), and in two large families the variant segregated with the disease. These data indicate that the variant is very likely to be associated with disease. To our knowledge, no experimental evidence demonstrating an impact on protein function has been reported. However, a different missense affecting the same amino acid (R228C) has been also reported in several patients (see HGMD, and PMID 30372562). The following publications have been ascertained in the context of this evaluation (PMID: 22397046, 29704247). ClinVar contains an entry for this variant (Variation ID: 653859). Based on the evidence outlined above, the variant was classified as pathogenic.

Labcorp Genetics (formerly Invitae), Labcorp
Classification: Pathogenic. Last evaluated: 2024-05-13. Review status: criteria provided, single submitter. Criteria: Invitae Variant Classification Sherloc (09022015). Collection method: clinical testing. Allele origin: germline.
Comment: This sequence change replaces arginine, which is basic and polar, with histidine, which is basic and polar, at codon 228 of the ALDH3A2 protein (p.Arg228His). This variant is not present in population databases (gnomAD no frequency). This missense change has been observed in individuals with ALDH3A2-related conditions (PMID: 22397046, 29704247). It has also been observed to segregate with disease in related individuals. ClinVar contains an entry for this variant (Variation ID: 653859). An algorithm developed to predict the effect of missense changes on protein structure and function (PolyPhen-2) suggests that this variant is likely to be disruptive. This variant disrupts the p.Arg228 amino acid residue in ALDH3A2. Other variant(s) that disrupt this residue have been determined to be pathogenic (PMID: 10577908, 27717089). This suggests that this residue is clinically significant, and that variants that disrupt this residue are likely to be disease-causing. For these reasons, this variant has been classified as Pathogenic.

Literature cited by the submitters: PubMed 29704247 (cited by 3 submitters); PubMed 22397046 (cited by Women's Health and Genetics/Laboratory Corporation of America, LabCorp and Labcorp Genetics (formerly Invitae), Labcorp); PubMed 10577908 (cited by Labcorp Genetics (formerly Invitae), Labcorp); PubMed 27717089 (cited by Labcorp Genetics (formerly Invitae), Labcorp).

NM_000382.3(ALDH3A2):c.683G>A (p.Arg228His)

Gene: ALDH3A2 (aldehyde dehydrogenase 3 family member A2; plus strand). Cytogenetic location: 17p11.2.
Variant type: single nucleotide variant.
Coding change: c.683G>A on transcript NM_000382.3 (MANE Select); coding-DNA position 683, G replaced by A.
Protein change: p.Arg228His; replaces arginine 228 with histidine.
Molecular consequence: missense variant.
Genome position (GRCh38, 1-based): chr17:19,657,747, G>A. VCF-style: chr17-19657747-G-A. GRCh37 (hg19) VCF-style: chr17-19561060-G-A.
Other names: c.683G>A, p.Arg228His (NM_001031806.2, NM_001369136.1, NM_001369137.2 and 3 more transcripts); c.104G>A, p.Arg35His (NM_001369148.2); short protein forms R228H, R35H.
Identifiers: ClinVar variation 653859 (VCV000653859.14), dbSNP rs866392702, ClinGen allele CA288545098.
Genomic context (GRCh38, chr17:19,657,747, plus strand): 5'-AATGAATATTTGACTGAATTACTGAATTATATAGCTGTTCTGGATGTTTTCCCCTCAGAC[G>A]CATAACCTGGGGAAAATACATGAATTGTGGCCAAACCTGCATTGCACCCGACTATATTCT-3'
Protein context (NP_000373.1, residues 218-238): KDCDLDIVCR[Arg228His]ITWGKYMNCG